The following is an entry in ClinVar:

ClinVar aggregate classification (germline): Uncertain significance. Review status: criteria provided, single submitter (1 of 4 stars). 2 submissions from 2 submitters: Uncertain significance (1). 1 of the submissions does not count toward it. Last evaluated 2025-03-27.

Conditions:
Hereditary spastic paraplegia 49 (HSAN9). Also called: NEUROPATHY, HEREDITARY SENSORY AND AUTONOMIC, TYPE IX, WITH DEVELOPMENTAL DELAY; Spastic paraplegia 49, autosomal recessive; TECPR2-Related Hereditary Sensory and Autonomic Neuropathy with Intellectual Disability. Identifiers: Orphanet 320385, MedGen C5190860, MONDO:0014016, OMIM 615031.

Allele frequency attached by ClinVar (database versions not stated): ExAC 0.00002; gnomAD 0.00002; gnomAD exomes 0.00002 and 0.00003; TOPMed 0.00011.
gnomAD v4.1: 51 of 1,612,790 alleles (0.0032%); highest among the groups gnomAD compares: Non-Finnish European, 0.0038%; 1 homozygote.

Submissions (2):

Labcorp Genetics (formerly Invitae), Labcorp
Classification: Uncertain significance for Hereditary spastic paraplegia 49. Last evaluated: 2025-03-27. Review status: criteria provided, single submitter. Criteria: Invitae Variant Classification Sherloc (09022015). Collection method: clinical testing. Allele origin: germline.
Comment: This sequence change replaces asparagine, which is neutral and polar, with serine, which is neutral and polar, at codon 445 of the TECPR2 protein (p.Asn445Ser). This variant is present in population databases (rs758980397, gnomAD 0.004%). This variant has not been reported in the literature in individuals affected with TECPR2-related conditions. ClinVar contains an entry for this variant (Variation ID: 834183). An algorithm developed to predict the effect of missense changes on protein structure and function outputs the following: PolyPhen-2: "Benign". The serine amino acid residue is found in multiple mammalian species, which suggests that this missense change does not adversely affect protein function. In summary, the available evidence is currently insufficient to determine the role of this variant in disease. Therefore, it has been classified as a Variant of Uncertain Significance.

Natera, Inc.
Classification: Uncertain significance for Autosomal recessive spastic paraplegia type 49. Last evaluated: 2020-01-24. Review status: no assertion criteria provided. Collection method: clinical testing. Allele origin: germline. Not counted in ClinVar's aggregate classification.

NM_014844.5(TECPR2):c.1334A>G (p.Asn445Ser)

Gene: TECPR2 (tectonin beta-propeller repeat containing 2; plus strand). Cytogenetic location: 14q32.31.
Variant type: single nucleotide variant.
Coding change: c.1334A>G on transcript NM_014844.5 (MANE Select); coding-DNA position 1334, A replaced by G.
Protein change: p.Asn445Ser; replaces asparagine 445 with serine.
Molecular consequence: missense variant.
Genome position (GRCh38, 1-based): chr14:102,432,045, A>G. VCF-style: chr14-102432045-A-G. GRCh37 (hg19) VCF-style: chr14-102898382-A-G.
Other names: c.1334A>G, p.Asn445Ser (NM_001172631.3); short protein forms N445S.
Identifiers: ClinVar variation 834183 (VCV000834183.9), dbSNP rs758980397, ClinGen allele CA7357699.
Genomic context (GRCh38, chr14:102,432,045, plus strand): 5'-CTGGGCTCCAGGCCACCCCTGAGCTGGGCAAGGGCAGCCAGCCCCTGTCACAGAGATTCA[A>G]CGCCATCAGCTCAGAGGACTTTGACCAGGAGCTTGTCGTGAAGCCTATCAAAGTGAAAAG-3'
Protein context (NP_055659.2, residues 435-455): KGSQPLSQRF[Asn445Ser]AISSEDFDQE